The following is an entry in ClinVar:

ClinVar aggregate classification (germline): Uncertain significance (1 of 4 stars; one submission).

Conditions:
Isolated microphthalmia 5. Also called: Posterior Microphthalmia with Retinitis Pigmentosa, Foveoschisis, and Optic Disc Drusen. Identifiers: Orphanet 251279, MedGen C1970236, MONDO:0012605, OMIM 611040.

Allele frequency attached by ClinVar (database versions not stated): gnomAD exomes below 0.00001.
gnomAD v4.1: 1 of 1,613,280 alleles (0.000062%); highest among the groups gnomAD compares: Middle Eastern, 0.016%; no homozygotes.

Submission:

Labcorp Genetics (formerly Invitae), Labcorp
Classification: Uncertain significance for Isolated microphthalmia 5. Last evaluated: 2022-05-05. Review status: criteria provided, single submitter. Criteria: Invitae Variant Classification Sherloc (09022015). Collection method: clinical testing. Allele origin: germline.
Comment: This sequence change replaces valine, which is neutral and non-polar, with methionine, which is neutral and non-polar, at codon 333 of the MFRP protein (p.Val333Met). This variant is not present in population databases (gnomAD no frequency). This variant has not been reported in the literature in individuals affected with MFRP-related conditions. Algorithms developed to predict the effect of missense changes on protein structure and function are either unavailable or do not agree on the potential impact of this missense change (SIFT: "Deleterious"; PolyPhen-2: "Probably Damaging"; Align-GVGD: "Class C0"). In summary, the available evidence is currently insufficient to determine the role of this variant in disease. Therefore, it has been classified as a Variant of Uncertain Significance.

NM_031433.4(MFRP):c.997G>A (p.Val333Met)

Genes: C1QTNF5 (C1q and TNF related 5; minus strand), MFRP (membrane frizzled-related protein; minus strand). Cytogenetic location: 11q23.3.
Variant type: single nucleotide variant.
Coding change: c.997G>A on transcript NM_031433.4 (MANE Select); coding-DNA position 997, G replaced by A.
Protein change: p.Val333Met; replaces valine 333 with methionine.
Molecular consequence: missense variant. On other transcripts: 5 prime UTR variant (1).
Genome position (GRCh38, 1-based): chr11:119,343,943, C>T on the plus strand (G>A on the coding strand, the complement: MFRP is on the minus strand). VCF-style: chr11-119343943-C-T. GRCh37 (hg19) VCF-style: chr11-119214653-C-T.
Other names: c.-1640G>A (NM_015645.5); short protein forms V333M.
Identifiers: ClinVar variation 2134476 (VCV002134476.4), dbSNP rs2497086031, ClinGen allele CA382975672.